The following is an entry in ClinVar:

ClinVar aggregate classification (germline): Uncertain significance (1 of 4 stars; one submission).

Submission:

Labcorp Genetics (formerly Invitae), Labcorp
Classification: Uncertain significance. Last evaluated: 2023-10-19. Review status: criteria provided, single submitter. Criteria: Invitae Variant Classification Sherloc (09022015). Collection method: clinical testing. Allele origin: germline.
Comment: This sequence change replaces serine, which is neutral and polar, with asparagine, which is neutral and polar, at codon 1570 of the SON protein (p.Ser1570Asn). This variant is not present in population databases (gnomAD no frequency). This variant has not been reported in the literature in individuals affected with SON-related conditions. Algorithms developed to predict the effect of missense changes on protein structure and function output the following: SIFT: "Not Available"; PolyPhen-2: "Benign"; Align-GVGD: "Not Available". The asparagine amino acid residue is found in multiple mammalian species, which suggests that this missense change does not adversely affect protein function. In summary, the available evidence is currently insufficient to determine the role of this variant in disease. Therefore, it has been classified as a Variant of Uncertain Significance.

NM_138927.4(SON):c.4709G>A (p.Ser1570Asn)

Gene: SON (SON DNA and RNA binding protein; plus strand). Cytogenetic location: 21q22.11.
Variant type: single nucleotide variant.
Coding change: c.4709G>A on transcript NM_138927.4 (MANE Select); coding-DNA position 4709, G replaced by A.
Protein change: p.Ser1570Asn; replaces serine 1570 with asparagine.
Molecular consequence: missense variant. On other transcripts: non-coding transcript variant (1), intron variant (1).
Genome position (GRCh38, 1-based): chr21:33,553,940, G>A. VCF-style: chr21-33553940-G-A. GRCh37 (hg19) VCF-style: chr21-34926246-G-A.
Other names: c.4709G>A, p.Ser1570Asn (NM_001291411.2, NM_001412133.1, NM_032195.3 and 2 more transcripts); c.245-3216G>A (NM_001291412.3); short protein forms S1570N.
Identifiers: ClinVar variation 2808403 (VCV002808403.3), dbSNP rs2085886287, ClinGen allele CA410163214.
Genomic context (GRCh38, chr21:33,553,940, plus strand): 5'-TGTGTGCTGCTGGTACTAGTCCTGTTGGGGAAATTGGTGAAGAGAAAATTTTGCCCACCA[G>A]TGAGACTAAACAGCGCACAGTATTGGATACCTACCCTGGTGTTAGTGAAGCTGATGCAGG-3'
Protein context (NP_620305.3, residues 1560-1580): EIGEEKILPT[Ser1570Asn]ETKQRTVLDT